The following is an entry in ClinVar:

ClinVar aggregate classification (germline): Uncertain significance. Review status: criteria provided, multiple submitters, no conflicts (2 of 4 stars). 2 submissions from 2 submitters: Uncertain significance (2). Last evaluated 2024-10-20.

Conditions:
Inborn genetic diseases. Identifiers: MedGen C0950123, MeSH D030342.

Allele frequency attached by ClinVar (database versions not stated): TOPMed below 0.00001; gnomAD exomes 0.00001.
gnomAD v4.1: 3 of 1,611,914 alleles (0.00019%); highest among the groups gnomAD compares: Admixed American, 0.005%; no homozygotes.

Submissions (2):

Ambry Genetics
Classification: Uncertain significance for Inborn genetic diseases. Last evaluated: 2024-10-20. Review status: criteria provided, single submitter. Criteria: Ambry Variant Classification Scheme 2023. Collection method: clinical testing. Allele origin: germline.

Labcorp Genetics (formerly Invitae), Labcorp
Classification: Uncertain significance. Last evaluated: 2022-02-28. Review status: criteria provided, single submitter. Criteria: Invitae Variant Classification Sherloc (09022015). Collection method: clinical testing. Allele origin: germline.
Comment: In summary, the available evidence is currently insufficient to determine the role of this variant in disease. Therefore, it has been classified as a Variant of Uncertain Significance. Algorithms developed to predict the effect of missense changes on protein structure and function are either unavailable or do not agree on the potential impact of this missense change (SIFT: "Tolerated"; PolyPhen-2: "Probably Damaging"; Align-GVGD: "Class C0"). This variant has not been reported in the literature in individuals affected with CFH-related conditions. This variant is present in population databases (no rsID available, gnomAD 0.006%). This sequence change replaces leucine, which is neutral and non-polar, with proline, which is neutral and non-polar, at codon 838 of the CFH protein (p.Leu838Pro).

NM_000186.4(CFH):c.2513T>C (p.Leu838Pro)

Gene: CFH (complement factor H; plus strand). Cytogenetic location: 1q31.3.
Variant type: single nucleotide variant.
Coding change: c.2513T>C on transcript NM_000186.4 (MANE Select); coding-DNA position 2513, T replaced by C.
Protein change: p.Leu838Pro; replaces leucine 838 with proline.
Molecular consequence: missense variant.
Genome position (GRCh38, 1-based): chr1:196,736,923, T>C. VCF-style: chr1-196736923-T-C. GRCh37 (hg19) VCF-style: chr1-196706053-T-C.
Other names: short protein forms L838P.
Identifiers: ClinVar variation 1950602 (VCV001950602.6), dbSNP rs1322064437, ClinGen allele CA343992942.